The following is an entry in ClinVar:

NM_020774.4(MIB1):c.809G>A (p.Gly270Glu)

Gene: MIB1 (MIB E3 ubiquitin protein ligase 1; plus strand). Cytogenetic location: 18q11.2.
Variant type: single nucleotide variant.
Coding change: c.809G>A on transcript NM_020774.4 (MANE Select); coding-DNA position 809, G replaced by A.
Protein change: p.Gly270Glu; replaces glycine 270 with glutamic acid.
Molecular consequence: missense variant.
Genome position (GRCh38, 1-based): chr18:21,779,586, G>A. VCF-style: chr18-21779586-G-A. GRCh37 (hg19) VCF-style: chr18-19359547-G-A.
Other names: short protein forms G270E.
Identifiers: ClinVar variation 3395764 (VCV003395764.1).
Genomic context (GRCh38, chr18:21,779,586, plus strand): 5'-ACCTGGTAAATATAGATCTCGACCTCGAAATTGTACAGTCTTTGCAGCATGGTCATGGAG[G>A]ATGGACTGATGGAATGTTTGAGACTTTAACTACAACTGGAACTGTTTGTGGCATTGATGA-3'
Protein context (NP_065825.1, residues 260-280): IVQSLQHGHG[Gly270Glu]WTDGMFETLT

ClinVar aggregate classification (germline): Uncertain significance (1 of 4 stars; one submission).

Conditions:
Inborn genetic diseases. Identifiers: MedGen C0950123, MeSH D030342.

Submission:

Ambry Genetics
Classification: Uncertain significance for Inborn genetic diseases. Last evaluated: 2024-08-31. Review status: criteria provided, single submitter. Criteria: Ambry Variant Classification Scheme 2023. Collection method: clinical testing. Allele origin: germline.
Comment: The p.G270E variant (also known as c.809G>A), located in coding exon 6 of the MIB1 gene, results from a G to A substitution at nucleotide position 809. The glycine at codon 270 is replaced by glutamic acid, an amino acid with similar properties. This amino acid position is conserved. In addition, this alteration is predicted to be deleterious by in silico analysis. Based on the available evidence, the clinical significance of this variant remains unclear.